The following is an entry in ClinVar:

NM_170606.3(KMT2C):c.2816_2817del (p.Ser939fs)

Gene: KMT2C (lysine methyltransferase 2C; minus strand). Cytogenetic location: 7q36.1.
Variant type: Microsatellite.
Coding change: c.2816_2817del on transcript NM_170606.3 (MANE Select); coding-DNA positions 2816 to 2817, 2 bases deleted (CT; older notation c.2816_2817delCT).
Protein change: p.Ser939fs; shifts the reading frame from serine 939.
Molecular consequence: frameshift variant.
Genome position (GRCh38, 1-based): chr7:152,230,274-152,230,275, AG deleted on the plus strand (CT on the coding strand, the reverse complement: KMT2C is on the minus strand); deleting any 2 consecutive bases within chr7:152,230,274-152,230,277 gives the same sequence; the c. name uses the placement nearest the transcript's 3' end. VCF-style (leftmost placement, unchanged base first): chr7-152230273-TAG-T. GRCh37 (hg19) VCF-style: chr7-151927358-TAG-T.
Other names: c.2816_2817del (NM_170606.2); short protein forms S939fs.
Identifiers: ClinVar variation 3236493 (VCV003236493.3).

ClinVar aggregate classification (germline): Pathogenic. Review status: criteria provided, multiple submitters, no conflicts (2 of 4 stars). 2 submissions from 2 submitters: Pathogenic (2). Last evaluated 2025-03-06.
ClinVar aggregate classification (somatic clinical impact): Tier II - Potential (1 of 4 stars; one submission).

Conditions:
KMT2C-related NDD.
Medulloblastoma SHH activated. Identifiers: MedGen C4330671, MONDO:0850197.

Submissions (3):

GeneDx
Classification: Pathogenic. Last evaluated: 2025-03-06. Review status: criteria provided, single submitter. Criteria: GeneDx Variant Classification Process June 2021. Collection method: clinical testing. Allele origin: germline. Affected: yes.
Comment: Frameshift variant predicted to result in protein truncation or nonsense mediated decay in a gene for which loss of function is a known mechanism of disease; Not observed at significant frequency in large population cohorts (gnomAD); This variant is associated with the following publications: (PMID: 39013459)

Institute for Genomic Medicine (IGM) Clinical Laboratory, Nationwide Children's Hospital
Classification: Tier II - Potential for Medulloblastoma SHH activated. Assertion type: diagnostic. Clinical significance: supports diagnosis. Last evaluated: 2023-11-21. Review status: criteria provided, single submitter. Criteria: AMP/ASCO/CAP Guidelines, 2017. Collection method: clinical testing. Allele origin: somatic. Affected: yes.
Comment: Variant has Tier II (potential) clinical significance as a diagnostic inclusion criterion in medulloblastoma SHH activated, based on the following evidence: 1) Diagnostic significance based on multiple small studies (Evidence Level C; PMIDs: 28726821, 22820256).

Laboratory of Genetics, Children's Clinical University Hospital Latvia
Classification: Pathogenic for KMT2C-related NDD. Review status: criteria provided, single submitter. Criteria: ACMG Guidelines, 2015. Collection method: research. Allele origin: de novo. Affected: yes.

Literature cited by the submitters: PubMed 28726821 (cited by Institute for Genomic Medicine (IGM) Clinical Laboratory, Nationwide Children's Hospital); PubMed 22820256 (cited by Institute for Genomic Medicine (IGM) Clinical Laboratory, Nationwide Children's Hospital); PubMed 39013459 (cited by Laboratory of Genetics, Children's Clinical University Hospital Latvia).